The following is an entry in ClinVar:

ClinVar aggregate classification (germline): Uncertain significance (1 of 4 stars; one submission).

Conditions:
Catecholaminergic polymorphic ventricular tachycardia 1. Also called: VENTRICULAR TACHYCARDIA, STRESS-INDUCED POLYMORPHIC 1; VENTRICULAR TACHYCARDIA, CATECHOLAMINERGIC POLYMORPHIC, 1, WITH OR WITHOUT ATRIAL DYSFUNCTION AND/OR DILATED CARDIOMYOPATHY; RYR2-Related Catecholaminergic Polymorphic Ventricular Tachycardia. Identifiers: Orphanet 3286, MedGen C1631597, MONDO:0011484, OMIM 604772.

Submission:

Labcorp Genetics (formerly Invitae), Labcorp
Classification: Uncertain significance for Catecholaminergic polymorphic ventricular tachycardia 1. Last evaluated: 2025-01-27. Review status: criteria provided, single submitter. Criteria: Invitae Variant Classification Sherloc (09022015). Collection method: clinical testing. Allele origin: germline.
Comment: This variant, c.2171_2173del, results in the deletion of 1 amino acid(s) of the RYR2 protein (p.Ser724del), but otherwise preserves the integrity of the reading frame. This variant is not present in population databases (gnomAD no frequency). This variant has not been reported in the literature in individuals affected with RYR2-related conditions. Experimental studies and prediction algorithms are not available or were not evaluated, and the functional significance of this variant is currently unknown. In summary, the available evidence is currently insufficient to determine the role of this variant in disease. Therefore, it has been classified as a Variant of Uncertain Significance.

NM_001035.3(RYR2):c.2171_2173del (p.Ser724del)

Gene: RYR2 (ryanodine receptor 2; plus strand). Cytogenetic location: 1q43.
Variant type: Deletion.
Coding change: c.2171_2173del on transcript NM_001035.3 (MANE Select); coding-DNA positions 2171 to 2173, 3 bases deleted (CCT; older notation c.2171_2173delCCT).
Protein change: p.Ser724del; deletes serine 724.
Genome position (GRCh38, 1-based): chr1:237,496,720-237,496,722, CCT deleted; deleting any 3 consecutive bases within chr1:237,496,718-237,496,722 gives the same sequence; the c. name uses the placement nearest the transcript's 3' end. VCF-style (leftmost placement, unchanged base first): chr1-237496717-TCTC-T. GRCh37 (hg19) VCF-style: chr1-237660017-TCTC-T.
Other names: short protein forms S724del.
Identifiers: ClinVar variation 3694865 (VCV003694865.2).